The following is an entry in ClinVar:

ClinVar aggregate classification (germline): Pathogenic (1 of 4 stars; one submission).

gnomAD v4.1: 1 of 1,550,482 alleles (0.000064%); highest among the groups gnomAD compares: Non-Finnish European, 0.000087%; no homozygotes.

Submission:

Labcorp Genetics (formerly Invitae), Labcorp
Classification: Pathogenic. Last evaluated: 2024-07-24. Review status: criteria provided, single submitter. Criteria: Invitae Variant Classification Sherloc (09022015). Collection method: clinical testing. Allele origin: germline.
Comment: This sequence change replaces serine, which is neutral and polar, with glycine, which is neutral and non-polar, at codon 144 of the BEST1 protein (p.Ser144Gly). This variant is not present in population databases (gnomAD no frequency). This missense change has been observed in individual(s) with autosomal dominant best vitelliform macular dystrophy and/or autosomal recessive BEST1-related conditions (PMID: 21293734). Advanced modeling of protein sequence and biophysical properties (such as structural, functional, and spatial information, amino acid conservation, physicochemical variation, residue mobility, and thermodynamic stability) performed at Invitae indicates that this missense variant is expected to disrupt BEST1 protein function with a positive predictive value of 95%. This variant disrupts the p.Ser144 amino acid residue in BEST1. Other variant(s) that disrupt this residue have been determined to be pathogenic (PMID: 20057343, 27078032, 31519547). This suggests that this residue is clinically significant, and that variants that disrupt this residue are likely to be disease-causing. For these reasons, this variant has been classified as Pathogenic.

Literature cited by the submitters: PubMed 21293734; PubMed 20057343; PubMed 27078032; PubMed 31519547.

NM_004183.4(BEST1):c.430A>G (p.Ser144Gly)

Gene: BEST1 (bestrophin 1; plus strand). Cytogenetic location: 11q12.3.
Variant type: single nucleotide variant.
Coding change: c.430A>G on transcript NM_004183.4 (MANE Select); coding-DNA position 430, A replaced by G.
Protein change: p.Ser144Gly; replaces serine 144 with glycine.
Molecular consequence: missense variant. On other transcripts: non-coding transcript variant (1).
Genome position (GRCh38, 1-based): chr11:61,955,900, A>G. VCF-style: chr11-61955900-A-G. GRCh37 (hg19) VCF-style: chr11-61723372-A-G.
Other names: c.112A>G, p.Ser38Gly (NM_001363591.3); c.430A>G, p.Ser144Gly (NM_001363592.2); c.-746A>G (NM_001363593.3); c.250A>G, p.Ser84Gly (NM_001139443.3, NM_001300786.2, NM_001300787.2); short protein forms S144G, S38G, S84G.
Identifiers: ClinVar variation 3721042 (VCV003721042.2).